The following is an entry in ClinVar:

NM_000256.3(MYBPC3):c.3253G>T (p.Glu1085Ter)

Gene: MYBPC3 (myosin binding protein C3; minus strand). Cytogenetic location: 11p11.2.
Variant type: single nucleotide variant.
Coding change: c.3253G>T on transcript NM_000256.3 (MANE Select); coding-DNA position 3253, G replaced by T.
Protein change: p.Glu1085Ter; replaces glutamic acid 1085 with a stop codon.
Molecular consequence: nonsense.
Genome position (GRCh38, 1-based): chr11:47,333,271, C>A on the plus strand (G>T on the coding strand, the complement: MYBPC3 is on the minus strand). VCF-style: chr11-47333271-C-A. GRCh37 (hg19) VCF-style: chr11-47354822-C-A.
Other names: short protein forms E1085*.
Identifiers: ClinVar variation 42696 (VCV000042696.17), dbSNP rs397516010, ClinGen allele CA013727.

ClinVar aggregate classification (germline): Pathogenic. Review status: criteria provided, multiple submitters, no conflicts (2 of 4 stars). 4 submissions from 4 submitters: Pathogenic (4). Last evaluated 2026-07-06.

Conditions:
MYBPC3-related disorder. Also called: MYBPC3-related disorders; MYBPC3-related condition; MYBPC3-related disease.
Hypertrophic cardiomyopathy. Also called: HYPERTROPHIC MYOCARDIOPATHY. Identifiers: Orphanet 217569, MedGen C0007194, MeSH D002312, MONDO:0005045, HP:0001639.

Allele frequency attached by ClinVar (database versions not stated): gnomAD 0.00001.

Submissions (4):

PreventionGenetics, part of Exact Sciences
Classification: Pathogenic for MYBPC3-related condition. Last evaluated: 2026-07-06. Review status: criteria provided, single submitter. Criteria: ACMG Guidelines, 2015. Collection method: clinical testing. Allele origin: germline.
Comment: The MYBPC3 c.3253G>T variant is predicted to result in premature protein termination (p.Glu1085*). This variant has been reported in individuals with hypertrophic cardiomyopathy (Supplementary Table 7, Alfares et al. 2015. PubMed ID: 25611685; Table S1A, Walsh et al. 2017. PubMed ID: 27532257; eTable 3, Guo et al. 2021. PubMed ID: 34076677; Table S8, McGurk et al. 2023. PubMed ID: 37652022). This variant has not been reported in a large population database (gnomAD), indicating this variant is rare. Nonsense variants in MYBPC3 are expected to be pathogenic. This variant is interpreted as pathogenic.

Labcorp Genetics (formerly Invitae), Labcorp
Classification: Pathogenic for Hypertrophic cardiomyopathy. Last evaluated: 2025-08-29. Review status: criteria provided, single submitter. Criteria: Invitae Variant Classification Sherloc (09022015). Collection method: clinical testing. Allele origin: germline.
Comment: This sequence change creates a premature translational stop signal (p.Glu1085*) in the MYBPC3 gene. It is expected to result in an absent or disrupted protein product. Loss-of-function variants in MYBPC3 are known to be pathogenic (PMID: 19574547). This variant is not present in population databases (gnomAD no frequency). This premature translational stop signal has been observed in individual(s) with hypertrophic cardiomyopathy (PMID: 25611685, 27532257). ClinVar contains an entry for this variant (Variation ID: 42696). For these reasons, this variant has been classified as Pathogenic.

GeneDx
Classification: Pathogenic. Last evaluated: 2023-06-07. Review status: criteria provided, single submitter. Criteria: GeneDx Variant Classification Process June 2021. Collection method: clinical testing. Allele origin: germline. Affected: yes.
Comment: Identified in patients with HCM in the published literature (Walsh et al., 2017) and in patients referred for genetic testing at GeneDx; Not observed at significant frequency in large population cohorts (gnomAD); Nonsense variant predicted to result in protein truncation or nonsense mediated decay in a gene for which loss of function is a known mechanism of disease; This variant is associated with the following publications: (PMID: 25611685, 35778879, 27532257, 34076677, 34542152)

Laboratory for Molecular Medicine, Mass General Brigham Personalized Medicine
Classification: Pathogenic for Hypertrophic cardiomyopathy. Last evaluated: 2010-07-15. Review status: criteria provided, single submitter. Criteria: LMM Criteria. Collection method: clinical testing. Allele origin: germline. Observed: 1 variant allele.

Literature cited by the submitters: PubMed 19574547 (cited by Labcorp Genetics (formerly Invitae), Labcorp); PubMed 25611685 (cited by Labcorp Genetics (formerly Invitae), Labcorp); PubMed 27532257 (cited by Labcorp Genetics (formerly Invitae), Labcorp).